The following is an entry in ClinVar:

ClinVar aggregate classification (germline): Uncertain significance (1 of 4 stars; one submission).

Conditions:
Jeune thoracic dystrophy. Also called: Jeune syndrome; Infantile thoracic dystrophy; Thoracic pelvic phalangeal dystrophy; Jeune's syndrome; Chondroectodermal dysplasia-like syndrome; Short-rib thoracic dysplasia. Identifiers: Orphanet 474, MedGen C0265275, MONDO:0018770.

Allele frequency attached by ClinVar (database versions not stated): gnomAD exomes below 0.00001.
gnomAD v4.1: 1 of 1,613,114 alleles (0.000062%); highest among the groups gnomAD compares: Non-Finnish European, 0.000085%; no homozygotes.

Submission:

Labcorp Genetics (formerly Invitae), Labcorp
Classification: Uncertain significance for Jeune thoracic dystrophy. Last evaluated: 2022-07-06. Review status: criteria provided, single submitter. Criteria: Invitae Variant Classification Sherloc (09022015). Collection method: clinical testing. Allele origin: germline.
Comment: This sequence change replaces isoleucine, which is neutral and non-polar, with valine, which is neutral and non-polar, at codon 502 of the DYNC2H1 protein (p.Ile502Val). This variant is not present in population databases (gnomAD no frequency). This variant has not been reported in the literature in individuals affected with DYNC2H1-related conditions. Advanced modeling of protein sequence and biophysical properties (such as structural, functional, and spatial information, amino acid conservation, physicochemical variation, residue mobility, and thermodynamic stability) performed at Invitae indicates that this missense variant is not expected to disrupt DYNC2H1 protein function. In summary, the available evidence is currently insufficient to determine the role of this variant in disease. Therefore, it has been classified as a Variant of Uncertain Significance.

NM_001377.3(DYNC2H1):c.1504A>G (p.Ile502Val)

Gene: DYNC2H1 (dynein cytoplasmic 2 heavy chain 1; plus strand). Cytogenetic location: 11q22.3.
Variant type: single nucleotide variant.
Coding change: c.1504A>G on transcript NM_001377.3 (MANE Select); coding-DNA position 1504, A replaced by G.
Protein change: p.Ile502Val; replaces isoleucine 502 with valine.
Molecular consequence: missense variant.
Genome position (GRCh38, 1-based): chr11:103,122,843, A>G. VCF-style: chr11-103122843-A-G. GRCh37 (hg19) VCF-style: chr11-102993572-A-G.
Other names: c.1504A>G, p.Ile502Val (NM_001080463.2); short protein forms I502V.
Identifiers: ClinVar variation 2014465 (VCV002014465.4), dbSNP rs2496836785, ClinGen allele CA382253323.